The following is an entry in ClinVar:

ClinVar aggregate classification (germline): Uncertain significance (1 of 4 stars; one submission).

Conditions:
Primary dilated cardiomyopathy (DCM). Also called: Dilated Cardiomyopathy. Identifiers: Orphanet 217604, MedGen C0007193, MeSH D002311, MONDO:0005021, HP:0001644. Inheritance: Various modes of inheritance.

Submission:

Labcorp Genetics (formerly Invitae), Labcorp
Classification: Uncertain significance for Primary dilated cardiomyopathy. Last evaluated: 2025-10-07. Review status: criteria provided, single submitter. Criteria: Invitae Variant Classification Sherloc (09022015). Collection method: clinical testing. Allele origin: germline.
Comment: This sequence change replaces asparagine, which is neutral and polar, with aspartic acid, which is acidic and polar, at codon 247 of the NEBL protein (p.Asn247Asp). This variant is not present in population databases (gnomAD no frequency). This variant has not been reported in the literature in individuals affected with NEBL-related conditions. An algorithm developed to predict the effect of missense changes on protein structure and function (PolyPhen-2) suggests that this variant is likely to be tolerated. In summary, the available evidence is currently insufficient to determine the role of this variant in disease. Therefore, it has been classified as a Variant of Uncertain Significance.

NM_006393.3(NEBL):c.739A>G (p.Asn247Asp)

Gene: NEBL (nebulette; minus strand). Cytogenetic location: 10p12.31.
Variant type: single nucleotide variant.
Coding change: c.739A>G on transcript NM_006393.3 (MANE Select); coding-DNA position 739, A replaced by G.
Protein change: p.Asn247Asp; replaces asparagine 247 with aspartic acid.
Molecular consequence: missense variant. On other transcripts: intron variant (9).
Genome position (GRCh38, 1-based): chr10:20,859,772, T>C on the plus strand (A>G on the coding strand, the complement: NEBL is on the minus strand). VCF-style: chr10-20859772-T-C. GRCh37 (hg19) VCF-style: chr10-21148701-T-C.
Other names: c.250-46832A>G (NM_001377326.1, NM_001377327.1, NM_001377328.1); c.358-46832A>G (NM_213569.2, NM_001173484.2, NM_001377322.1); c.301-46832A>G (NM_001377324.1); c.292-46832A>G (NM_001377325.1); c.310-46832A>G (NM_001377323.1); short protein forms N247D.
Identifiers: ClinVar variation 4706008 (VCV004706008.1).
Genomic context (GRCh38, chr10:20,859,772, plus strand): 5'-CATTGCTCGCCAGTGTAGCAGCAAGCTGATTCTGCCTAAAAGAAGCACTTTCAAGAGGAT[T>C]GTAATGATGTTTCTTATCCTTCATTTCATTATCAAATTTTTCTTTGTATTTAATCTGTCA-3'
Protein context (NP_006384.1, residues 237-257): NEMKDKKHHY[Asn247Asp]PLESASFRQN